The following is an entry in ClinVar:

ClinVar aggregate classification (germline): Conflicting classifications of pathogenicity. Review status: criteria provided, conflicting classifications (1 of 4 stars). 2 submissions from 2 submitters: Uncertain significance (1); Likely benign (1). Last evaluated 2025-04-01.

Conditions:
Bainbridge-Ropers syndrome. Also called: Severe feeding difficulties-failure to thrive-microcephaly due to ASXL3 deficiency syndrome. Identifiers: Orphanet 352577, MedGen C4750837, MONDO:0014205, OMIM 615485.
Inborn genetic diseases. Identifiers: MedGen C0950123, MeSH D030342.

Allele frequency attached by ClinVar (database versions not stated): gnomAD exomes below 0.00001; TOPMed 0.00002; gnomAD 0.00001 and 0.00002; ExAC 0.00001.
gnomAD v4.1: 6 of 1,614,032 alleles (0.00037%); highest among the groups gnomAD compares: African/African-American, 0.0053%; no homozygotes.

Submissions (2):

Ambry Genetics
Classification: Likely benign for Inborn genetic diseases. Last evaluated: 2025-04-01. Review status: criteria provided, single submitter. Criteria: Ambry Variant Classification Scheme 2023. Collection method: clinical testing. Allele origin: germline.

New York Genome Center
Classification: Uncertain significance for Bainbridge-Ropers syndrome. Last evaluated: 2020-04-30. Review status: criteria provided, single submitter. Criteria: NYGC Assertion Criteria 2020. Collection method: clinical testing. Allele origin: germline. Observed: 1 heterozygote. Study: CSER-NYCKidSeq.
Comment: The heterozygous missense variant, p.Val1489Leu, in ASXL3 has not been reported in affected individuals in the literature. The variant is extremely rare in the gnomAD database with an allele frequency of 0.000007110; 2 out of 281,308 heterozygous alleles. The p.Val1489Leu affects a weakly conserved residue and in silico prediction tools provide conflicting interpretations about its potential pathogenicity. Based on the available evidence, the p.Val1489Leu variant in the ASXL3 gene is assessed as a variant of uncertain significance.

NM_030632.3(ASXL3):c.4465G>C (p.Val1489Leu)

Gene: ASXL3 (ASXL transcriptional regulator 3; plus strand). Cytogenetic location: 18q12.1.
Variant type: single nucleotide variant.
Coding change: c.4465G>C on transcript NM_030632.3 (MANE Select); coding-DNA position 4465, G replaced by C.
Protein change: p.Val1489Leu; replaces valine 1489 with leucine.
Molecular consequence: missense variant.
Genome position (GRCh38, 1-based): chr18:33,744,313, G>C. VCF-style: chr18-33744313-G-C. GRCh37 (hg19) VCF-style: chr18-31324277-G-C.
Other names: c.4465G>C (NM_030632.1); short protein forms V1489L.
Identifiers: ClinVar variation 1325583 (VCV001325583.2), dbSNP rs576992025, ClinGen allele CA8934266.